The following is an entry in ClinVar:

NM_001854.4(COL11A1):c.1736G>C (p.Arg579Thr)

Gene: COL11A1 (collagen type XI alpha 1 chain; minus strand). Cytogenetic location: 1p21.1.
Variant type: single nucleotide variant.
Coding change: c.1736G>C on transcript NM_001854.4 (MANE Select); coding-DNA position 1736, G replaced by C.
Protein change: p.Arg579Thr; replaces arginine 579 with threonine.
Molecular consequence: missense variant. On other transcripts: non-coding transcript variant (1).
Genome position (GRCh38, 1-based): chr1:103,006,263, C>G on the plus strand (G>C on the coding strand, the complement: COL11A1 is on the minus strand). VCF-style: chr1-103006263-C-G. GRCh37 (hg19) VCF-style: chr1-103471819-C-G.
Other names: c.1619G>C, p.Arg540Thr (NM_001190709.2); c.1772G>C, p.Arg591Thr (NM_080629.3); c.1388G>C, p.Arg463Thr (NM_080630.4); short protein forms R579T, R540T, R591T, R463T.
Identifiers: ClinVar variation 1436339 (VCV001436339.8), dbSNP rs1557935355, ClinGen allele CA341174906.

ClinVar aggregate classification (germline): Uncertain significance (1 of 4 stars; one submission).

Allele frequency attached by ClinVar (database versions not stated): gnomAD exomes below 0.00001.

Submission:

Labcorp Genetics (formerly Invitae), Labcorp
Classification: Uncertain significance. Last evaluated: 2021-05-20. Review status: criteria provided, single submitter. Criteria: Invitae Variant Classification Sherloc (09022015). Collection method: clinical testing. Allele origin: germline.
Comment: In summary, the available evidence is currently insufficient to determine the role of this variant in disease. Therefore, it has been classified as a Variant of Uncertain Significance. Algorithms developed to predict the effect of missense changes on protein structure and function are either unavailable or do not agree on the potential impact of this missense change (SIFT: "Deleterious"; PolyPhen-2: "Not Available"; Align-GVGD: "Class C65"). This variant has not been reported in the literature in individuals with COL11A1-related conditions. This variant is not present in population databases (ExAC no frequency). This sequence change replaces arginine with threonine at codon 579 of the COL11A1 protein (p.Arg579Thr). The arginine residue is highly conserved and there is a moderate physicochemical difference between arginine and threonine.